The following is an entry in ClinVar:

NM_058216.3(RAD51C):c.477_482del (p.Asp159_Thr160del)

Gene: RAD51C (RAD51 paralog C; plus strand). Cytogenetic location: 17q22.
Variant type: Deletion.
Coding change: c.477_482del on transcript NM_058216.3 (MANE Select); coding-DNA positions 477 to 482, 6 bases deleted (TACAGA; older notation c.477_482delTACAGA).
Protein change: p.Asp159_Thr160del.
Molecular consequence: inframe deletion.
Genome position (GRCh38, 1-based): chr17:58,696,765-58,696,770, TACAGA deleted; deleting any 6 consecutive bases within chr17:58,696,763-58,696,770 gives the same sequence; the c. name uses the placement nearest the transcript's 3' end. VCF-style (leftmost placement, unchanged base first): chr17-58696762-TGATACA-T. GRCh37 (hg19) VCF-style: chr17-56774123-TGATACA-T.
Identifiers: ClinVar variation 4729994 (VCV004729994.1).

ClinVar aggregate classification (germline): Uncertain significance (1 of 4 stars; one submission).

Conditions:
Fanconi anemia complementation group O. Also called: RAD51C-Related Fanconi Anemia. Identifiers: Orphanet 84, MedGen C3150653, MONDO:0013248, OMIM 613390.

Submission:

Labcorp Genetics (formerly Invitae), Labcorp
Classification: Uncertain significance for Fanconi anemia complementation group O. Last evaluated: 2025-11-07. Review status: criteria provided, single submitter. Criteria: Invitae Variant Classification Sherloc (09022015). Collection method: clinical testing. Allele origin: germline.
Comment: This variant, c.477_482del, results in the deletion of 2 amino acid(s) of the RAD51C protein (p.Asp159_Thr160del), but otherwise preserves the integrity of the reading frame. This variant is not present in population databases (gnomAD no frequency). This variant has not been reported in the literature in individuals affected with RAD51C-related conditions. In summary, the available evidence is currently insufficient to determine the role of this variant in disease. Therefore, it has been classified as a Variant of Uncertain Significance.